The following is an entry in ClinVar:

NM_001065.4(TNFRSF1A):c.291_302del (p.Arg97_Leu100del)

Gene: TNFRSF1A (TNF receptor superfamily member 1A; minus strand). Cytogenetic location: 12p13.31.
Variant type: Deletion.
Coding change: c.291_302del on transcript NM_001065.4 (MANE Select); coding-DNA positions 291 to 302, 12 bases deleted (ACACTGCCTCAG).
Protein change: p.Arg97_Leu100del.
Molecular consequence: inframe deletion. On other transcripts: 5 prime UTR variant (2), non-coding transcript variant (1).
Genome position (GRCh38, 1-based): chr12:6,333,757-6,333,768, CTGAGGCAGTGT deleted on the plus strand (ACACTGCCTCAG on the coding strand, the reverse complement: TNFRSF1A is on the minus strand); deleting any 12 consecutive bases within chr12:6,333,757-6,333,774 gives the same sequence; the c. name uses the placement nearest the transcript's 3' end. VCF-style (leftmost placement, unchanged base first): chr12-6333756-GCTGAGGCAGTGT-G. GRCh37 (hg19) VCF-style: chr12-6442922-GCTGAGGCAGTGT-G.
Other names: c.-34_-23del (NM_001346091.2); c.-287_-276del (NM_001346092.2).
Identifiers: ClinVar variation 1441716 (VCV001441716.6), dbSNP rs2136822397, ClinGen allele CA2573148506.

ClinVar aggregate classification (germline): Uncertain significance (1 of 4 stars; one submission).

Conditions:
TNF receptor-associated periodic fever syndrome (TRAPS) (FPF). Also called: FAMILIAL HIBERNIAN FEVER; TNF Receptor-Associated Periodic Fever Syndrome; TNF receptor 1-associated periodic fever syndrome; TNF RECEPTOR-ASSOCIATED PERIODIC SYNDROME; TUMOR NECROSIS FACTOR RECEPTOR-ASSOCIATED PERIODIC SYNDROME; Autosomal Dominant Familial Periodic Fever. Identifiers: Orphanet 32960, MedGen C1275126, MONDO:0007727, OMIM 142680.

Submission:

Labcorp Genetics (formerly Invitae), Labcorp
Classification: Uncertain significance for TNF receptor-associated periodic fever syndrome (TRAPS). Last evaluated: 2021-10-09. Review status: criteria provided, single submitter. Criteria: Invitae Variant Classification Sherloc (09022015). Collection method: clinical testing. Allele origin: germline.
Comment: This variant, c.291_302del, results in the deletion of 4 amino acid(s) of the TNFRSF1A protein (p.Arg97_Leu100del), but otherwise preserves the integrity of the reading frame. This variant is not present in population databases (ExAC no frequency). This variant has not been reported in the literature in individuals affected with TNFRSF1A-related conditions. Experimental studies and prediction algorithms are not available or were not evaluated, and the functional significance of this variant is currently unknown. In summary, the available evidence is currently insufficient to determine the role of this variant in disease. Therefore, it has been classified as a Variant of Uncertain Significance.